The following is an entry in ClinVar:

ClinVar aggregate classification (germline): Uncertain significance (1 of 4 stars; one submission).

Allele frequency attached by ClinVar (database versions not stated): gnomAD exomes below 0.00001.
gnomAD v4.1: 1 of 1,351,048 alleles (0.000074%); highest among the groups gnomAD compares: Non-Finnish European, 0.000095%; no homozygotes.

Submission:

Labcorp Genetics (formerly Invitae), Labcorp
Classification: Uncertain significance. Last evaluated: 2023-10-24. Review status: criteria provided, single submitter. Criteria: Invitae Variant Classification Sherloc (09022015). Collection method: clinical testing. Allele origin: germline.
Comment: This sequence change replaces glutamic acid, which is acidic and polar, with aspartic acid, which is acidic and polar, at codon 38 of the DEAF1 protein (p.Glu38Asp). This variant is not present in population databases (gnomAD no frequency). This variant has not been reported in the literature in individuals affected with DEAF1-related conditions. Advanced modeling of protein sequence and biophysical properties (such as structural, functional, and spatial information, amino acid conservation, physicochemical variation, residue mobility, and thermodynamic stability) performed at Invitae indicates that this missense variant is not expected to disrupt DEAF1 protein function with a negative predictive value of 80%. In summary, the available evidence is currently insufficient to determine the role of this variant in disease. Therefore, it has been classified as a Variant of Uncertain Significance.

NM_021008.4(DEAF1):c.114G>T (p.Glu38Asp)

Gene: DEAF1 (DEAF1 transcription factor; minus strand). Cytogenetic location: 11p15.5.
Variant type: single nucleotide variant.
Coding change: c.114G>T on transcript NM_021008.4 (MANE Select); coding-DNA position 114, G replaced by T.
Protein change: p.Glu38Asp; replaces glutamic acid 38 with aspartic acid.
Molecular consequence: missense variant. On other transcripts: intron variant (1).
Genome position (GRCh38, 1-based): chr11:694,934, C>A on the plus strand (G>T on the coding strand, the complement: DEAF1 is on the minus strand). VCF-style: chr11-694934-C-A. GRCh37 (hg19) VCF-style: chr11-694934-C-A.
Other names: c.114G>T, p.Glu38Asp (NM_001293634.2); c.-437-3336G>T (NM_001367390.1); short protein forms E38D.
Identifiers: ClinVar variation 2881217 (VCV002881217.3), dbSNP rs2494505678, ClinGen allele CA378940019.